The following is an entry in ClinVar:

NM_002878.4(RAD51D):c.871C>A (p.Arg291Ser)

Genes: RAD51L3-RFFL (RAD51L3-RFFL readthrough; minus strand), RAD51D (RAD51 paralog D; minus strand). Cytogenetic location: 17q12.
Variant type: single nucleotide variant.
Coding change: c.871C>A on transcript NM_002878.4 (MANE Select); coding-DNA position 871, C replaced by A.
Protein change: p.Arg291Ser; replaces arginine 291 with serine.
Molecular consequence: missense variant. On other transcripts: non-coding transcript variant (3).
Genome position (GRCh38, 1-based): chr17:35,101,233, G>T on the plus strand (C>A on the coding strand, the complement: RAD51D is on the minus strand). VCF-style: chr17-35101233-G-T. GRCh37 (hg19) VCF-style: chr17-33428252-G-T.
Other names: c.931C>A, p.Arg311Ser (NM_001142571.2); c.535C>A, p.Arg179Ser (NM_133629.3); short protein forms R291S, R179S, R311S.
Identifiers: ClinVar variation 484769 (VCV000484769.12), dbSNP rs372038369, ClinGen allele CA399086437.

ClinVar aggregate classification (germline): Uncertain significance. Review status: criteria provided, multiple submitters, no conflicts (2 of 4 stars). 2 submissions from 2 submitters: Uncertain significance (2). Last evaluated 2025-01-07.

Conditions:
Hereditary cancer-predisposing syndrome. Also called: Neoplastic Syndromes, Hereditary; Tumor predisposition; Hereditary Cancer Syndrome; Hereditary neoplastic syndrome. Identifiers: Orphanet 140162, MedGen C0027672, MeSH D009386, MONDO:0015356.
Breast-ovarian cancer, familial, susceptibility to, 4. Identifiers: Orphanet 145, MedGen C3280345, MONDO:0013669, OMIM 614291.

gnomAD v4.1: 1 of 1,614,132 alleles (0.000062%); highest among the groups gnomAD compares: Non-Finnish European, 0.000085%; no homozygotes.

Submissions (2):

Labcorp Genetics (formerly Invitae), Labcorp
Classification: Uncertain significance for Breast-ovarian cancer, familial, susceptibility to, 4. Last evaluated: 2025-01-07. Review status: criteria provided, single submitter. Criteria: Invitae Variant Classification Sherloc (09022015). Collection method: clinical testing. Allele origin: germline.
Comment: This sequence change replaces arginine, which is basic and polar, with serine, which is neutral and polar, at codon 291 of the RAD51D protein (p.Arg291Ser). This variant is not present in population databases (gnomAD no frequency). This variant has not been reported in the literature in individuals affected with RAD51D-related conditions. ClinVar contains an entry for this variant (Variation ID: 484769). Invitae Evidence Modeling of protein sequence and biophysical properties (such as structural, functional, and spatial information, amino acid conservation, physicochemical variation, residue mobility, and thermodynamic stability) indicates that this missense variant is not expected to disrupt RAD51D protein function with a negative predictive value of 80%. In summary, the available evidence is currently insufficient to determine the role of this variant in disease. Therefore, it has been classified as a Variant of Uncertain Significance.

Ambry Genetics
Classification: Uncertain significance for Hereditary cancer-predisposing syndrome. Last evaluated: 2024-10-20. Review status: criteria provided, single submitter. Criteria: Ambry Variant Classification Scheme 2023. Collection method: clinical testing. Allele origin: germline.